The following is an entry in ClinVar:

NM_006767.4(LZTR1):c.263+6T>G

Gene: LZTR1 (leucine zipper like post translational regulator 1; plus strand). Cytogenetic location: 22q11.21.
Variant type: single nucleotide variant.
Coding change: c.263+6T>G on transcript NM_006767.4 (MANE Select); 6 bases into the intron after coding-DNA position 263, T replaced by G.
Molecular consequence: intron variant.
Genome position (GRCh38, 1-based): chr22:20,983,095, T>G. VCF-style: chr22-20983095-T-G. GRCh37 (hg19) VCF-style: chr22-21337384-T-G.
Other names: c.263+6T>G (NM_006767.3).
Identifiers: ClinVar variation 3718550 (VCV003718550.3).

ClinVar aggregate classification (germline): Conflicting classifications of pathogenicity. Review status: criteria provided, conflicting classifications (1 of 4 stars). 2 submissions from 2 submitters: Likely pathogenic (1); Uncertain significance (1). Last evaluated 2026-07-30.

Conditions:
Hereditary cancer-predisposing syndrome. Also called: Tumor predisposition; Hereditary neoplastic syndrome; Hereditary Cancer Syndrome; Neoplastic Syndromes, Hereditary. Identifiers: Orphanet 140162, MedGen C0027672, MeSH D009386, MONDO:0015356.
Cardiovascular phenotype. Identifiers: MedGen CN230736.

Submissions (2):

Ambry Genetics
Classification: Likely pathogenic for Cardiovascular phenotype; Hereditary cancer-predisposing syndrome. Last evaluated: 2026-07-30. Review status: criteria provided, single submitter. Criteria: Ambry Variant Classification Scheme 2023. Collection method: clinical testing. Allele origin: germline.
Comment: The c.263+6T>G intronic variant results from a T to G substitution 6 nucleotides after coding exon 2 in the LZTR1 gene. This nucleotide position is highly conserved in available vertebrate species. In silico splice site analysis predicts that this alteration will weaken the native splice donor site and may result in the creation or strengthening of a novel splice donor site. RNA studies have demonstrated that this alteration results in abnormal splicing in the set of samples tested (Ambry internal data). Loss-of-function variants in LZTR1 are related to an increased risk for schwannomas and autosomal recessive Noonan syndrome; however, such associations with autosomal dominant Noonan syndrome have not been observed (Piotrowski A et al. Nat Genet. 2014 Feb;46:182-7; Yamamoto GL et al. J Med Genet. 2015 Jun;52:413-21; Johnston JJ et al. Genet Med. 2018 10;20:1175-1185). Based on the supporting evidence, this variant is likely pathogenic for an increased risk of LZTR1-related schwannomatosis (SWN) and would be expected to cause autosomal recessive Noonan syndrome when present along with a second pathogenic or likely pathogenic variant on the other allele; however, the association of this alteration with autosomal dominant Noonan syndrome is unlikely.

Labcorp Genetics (formerly Invitae), Labcorp
Classification: Uncertain significance. Last evaluated: 2025-11-20. Review status: criteria provided, single submitter. Criteria: Invitae Variant Classification Sherloc (09022015). Collection method: clinical testing. Allele origin: germline.
Comment: This sequence change falls in intron 2 of the LZTR1 gene. It does not directly change the encoded amino acid sequence of the LZTR1 protein. It affects a nucleotide within the consensus splice site. This variant is not present in population databases (gnomAD no frequency). This variant has not been reported in the literature in individuals affected with LZTR1-related conditions. ClinVar contains an entry for this variant (Variation ID: 3718550). Variants that disrupt the consensus splice site are a relatively common cause of aberrant splicing (PMID: 17576681, 9536098). Algorithms developed to predict the effect of sequence changes on RNA splicing suggest that this variant may disrupt the consensus splice site. In summary, the available evidence is currently insufficient to determine the role of this variant in disease. Therefore, it has been classified as a Variant of Uncertain Significance.

Literature cited by the submitters: PubMed 17576681 (cited by Labcorp Genetics (formerly Invitae), Labcorp); PubMed 9536098 (cited by Labcorp Genetics (formerly Invitae), Labcorp).